The following is an entry in ClinVar:

ClinVar aggregate classification (germline): Likely benign (1 of 4 stars; one submission).

gnomAD v4.1: 2 of 1,549,970 alleles (0.00013%); highest among the groups gnomAD compares: East Asian, 0.0049%; no homozygotes.

Submission:

CeGaT Center for Human Genetics Tuebingen
Classification: Likely benign. Last evaluated: 2025-12-01. Review status: criteria provided, single submitter. Criteria: CeGaT Center For Human Genetics Tuebingen Variant Classification Criteria Version 2. Collection method: clinical testing. Allele origin: germline. Affected: yes. Observed: 1 variant allele.
Comment: CCDC78: BP4, BP7

NM_001378030.1(CCDC78):c.144A>G (p.Pro48=)

Gene: CCDC78 (coiled-coil domain containing 78; minus strand). Cytogenetic location: 16p13.3.
Variant type: single nucleotide variant.
Coding change: c.144A>G on transcript NM_001378030.1 (MANE Select); coding-DNA position 144, A replaced by G.
Protein change: p.Pro48=; no amino-acid change (proline 48 retained).
Molecular consequence: synonymous variant. On other transcripts: 5 prime UTR variant (1), non-coding transcript variant (5).
Genome position (GRCh38, 1-based): chr16:726,002, T>C on the plus strand (A>G on the coding strand, the complement: CCDC78 is on the minus strand). VCF-style: chr16-726002-T-C. GRCh37 (hg19) VCF-style: chr16-776002-T-C.
Other names: c.144A>G, p.Pro48= (NM_001031737.3, NM_001378031.1); c.-142A>G (NM_001378033.1).
Identifiers: ClinVar variation 4681890 (VCV004681890.5).